The following is an entry in ClinVar:

ClinVar aggregate classification (germline): Likely benign. Review status: reviewed by expert panel (3 of 4 stars). 2 submissions from 2 submitters: Likely benign (1). 1 of the submissions does not count toward it. Last evaluated 2026-07-20.

Conditions:
CEP290-related ciliopathy. Also called: CEP290 ciliopathy. Identifiers: MedGen CN305601, MONDO:0100451.

gnomAD v4.1: 8 of 1,604,904 alleles (0.0005%); highest among the groups gnomAD compares: East Asian, 0.016%; no homozygotes.

Submissions (2):

ClinGen Leber Congenital Amaurosis/early Onset Retinal Dystrophy Variant Curation Expert Panel, ClinGen
Classification: Likely benign for CEP290-related ciliopathy. Last evaluated: 2026-07-20. Review status: reviewed by expert panel. Criteria: ClinGen LCAeoRD ACMG Specifications CEP290 V1.0.0. Collection method: curation. Allele origin: germline. Inheritance: Autosomal recessive inheritance.
Comment: NM_025114.4(CEP290):c.-1G>A is a non-coding variant in exon 2 that is adjacent to the initiation codon. The splicing impact predictor SpliceAI gives a delta score of 0.02 for donor loss, which is below the ClinGen LCA / eoRD VCEP recommended threshold of <0.1 and does not predict an impact on splicing (BP4). This variant is present in gnomAD v.4.1.1 at a total allele frequency of 0.000004985, with 8 alleles / 1,604,904 total alleles, which is lower than the ClinGen LCA/eoRD VCEP PM2_Supporting threshold of <0.0006 (PM2_Supporting). This variant has been reported in a proband with early-onset severe retinal dystrophy in cis with the NM_025114.4(CEP290):c.4661_4663del (p.Glu1554del) variant and in trans with the NM_025114.4(CEP290):c.3904C>T (p.Gln1302Ter) variant, both of which have been classified as pathogenic by the ClinGen LCA/eoRD VCEP (PMID: 32165824, BP2). This variant has been reported in at least 2 additional probands with early-onset severe retinal dystrophy who were compound heterozygous with the NM_025114.4(CEP290):c.6012-12T>A variant confirmed in trans, however, PM3 is not met since both probands harbored the NM_025114.4(CEP290):c.4661_4663del (p.Glu1554del) variant in cis (PMID: 28966547, PMID: 29145603, PMID: 32165824). In summary, this variant meets the criteria to be classified as Likely Benign for CEP290-related ciliopathy based on the ACMG/AMP criteria applied, as specified by the ClinGen LCA/eoRD VCEP: BP4, PM2_Supporting, and BP2. (LCA/eoRD VCEP Specifications for CEP290 Version 1.0.0)

Blueprint Genetics
Classification: Uncertain significance. Last evaluated: 2022-03-09. Review status: criteria provided, single submitter. Criteria: ACMG Guidelines, 2015. Collection method: clinical testing. Allele origin: germline. Not counted in ClinVar's aggregate classification.

NM_025114.4(CEP290):c.-1G>A

Gene: CEP290 (centrosomal protein 290; minus strand). Cytogenetic location: 12q21.32.
Variant type: single nucleotide variant.
Coding change: c.-1G>A on transcript NM_025114.4 (MANE Select); 1 bases upstream of the start codon, G replaced by A.
Molecular consequence: 5 prime UTR variant.
Genome position (GRCh38, 1-based): chr12:88,141,308, C>T on the plus strand (G>A on the coding strand, the complement: CEP290 is on the minus strand). VCF-style: chr12-88141308-C-T. GRCh37 (hg19) VCF-style: chr12-88535085-C-T.
Other names: NM_025114.4:c.-1G>A.
Identifiers: ClinVar variation 4871876 (VCV004871876.2).
Genomic context (GRCh38, chr12:88,141,308, plus strand): 5'-ACGGGGCAGGTCATCTGGGTCAACTTTCATTATTTCTTTCCAGTTTATATTAGGTGGCAT[C>T]TTGAATTCTTTCACTGTGCTCCACCTCTGTAACAAAACAGGTGTATATTAGCATTTTCAA-3'